The following is an entry in ClinVar:

NM_004035.7(ACOX1):c.826G>A (p.Gly276Arg)

Gene: ACOX1 (acyl-CoA oxidase 1; minus strand). Cytogenetic location: 17q25.1.
Variant type: single nucleotide variant.
Coding change: c.826G>A on transcript NM_004035.7 (MANE Select); coding-DNA position 826, G replaced by A.
Protein change: p.Gly276Arg; replaces glycine 276 with arginine.
Molecular consequence: missense variant.
Genome position (GRCh38, 1-based): chr17:75,953,569, C>T on the plus strand (G>A on the coding strand, the complement: ACOX1 is on the minus strand). VCF-style: chr17-75953569-C-T. GRCh37 (hg19) VCF-style: chr17-73949650-C-T.
Other names: c.712G>A, p.Gly238Arg (NM_001185039.2); c.826G>A, p.Gly276Arg (NM_007292.6); short protein forms G238R, G276R.
Identifiers: ClinVar variation 4867166 (VCV004867166.1).

ClinVar aggregate classification (germline): Uncertain significance (1 of 4 stars; one submission).

Conditions:
Inborn genetic diseases. Identifiers: MedGen C0950123, MeSH D030342.

gnomAD v4.1: 18 of 1,614,172 alleles (0.0011%); highest among the groups gnomAD compares: Middle Eastern, 0.016%; no homozygotes.

Submission:

Ambry Genetics
Classification: Uncertain significance for Inborn genetic diseases. Last evaluated: 2026-05-06. Review status: criteria provided, single submitter. Criteria: Ambry Variant Classification Scheme 2023. Collection method: clinical testing. Allele origin: germline.
Comment: The c.826G>A (p.G276R) alteration is located in exon 7 (coding exon 7) of the ACOX1 gene. This alteration results from a G to A substitution at nucleotide position 826, causing the glycine (G) at amino acid position 276 to be replaced by an arginine (R). Based on data from gnomAD, the A allele has an overall frequency of <0.001% (1/251480) total alleles studied. The highest observed frequency was 0.001% (1/113762) of European (non-Finnish) alleles. Based on insufficient or conflicting evidence, the clinical significance of this alteration remains unclear.